The following is an entry in ClinVar:

NM_002294.3(LAMP2):c.65-314G>A

Gene: LAMP2 (lysosomal associated membrane protein 2; minus strand). Cytogenetic location: Xq24.
Variant type: single nucleotide variant.
Coding change: c.65-314G>A on transcript NM_002294.3 (MANE Select); 314 bases into the intron before coding-DNA position 65, G replaced by A.
Molecular consequence: intron variant.
Genome position (GRCh38, 1-based): chrX:120,457,083, C>T on the plus strand (G>A on the coding strand, the complement: LAMP2 is on the minus strand). VCF-style: chrX-120457083-C-T. GRCh37 (hg19) VCF-style: chrX-119590938-C-T.
Other names: c.65-314G>A (NM_001122606.1, NM_013995.2).
Identifiers: ClinVar variation 683600 (VCV000683600.1), dbSNP rs73639316, ClinGen allele CA335014122.

ClinVar aggregate classification (germline): Benign (1 of 4 stars; one submission).

Allele frequency attached by ClinVar (database versions not stated): 1000 Genomes Project 0.05060; gnomAD 0.05296 and 0.05699; 1000 Genomes Project 30x 0.05349; TOPMed 0.06231.
gnomAD v4.1: 5,828 of 110,986 alleles (5.3%); highest among the groups gnomAD compares: African/African-American, 18%; 404 homozygotes.

Submission:

GeneDx
Classification: Benign. Last evaluated: 2018-06-14. Review status: criteria provided, single submitter. Criteria: GeneDx Variant Classification (06012015). Collection method: clinical testing. Allele origin: germline. Affected: yes.
Comment: This variant is considered likely benign or benign based on one or more of the following criteria: it is a conservative change, it occurs at a poorly conserved position in the protein, it is predicted to be benign by multiple in silico algorithms, and/or has population frequency not consistent with disease.